The following is an entry in ClinVar:

ClinVar aggregate classification (germline): Uncertain significance (1 of 4 stars; one submission).

Conditions:
Joubert syndrome. Also called: CEREBELLOPARENCHYMAL DISORDER IV; JOUBERT-BOLTSHAUSER SYNDROME; Familial aplasia of the vermis. Identifiers: Orphanet 475, MedGen C5979921, MONDO:0018772.
Meckel-Gruber syndrome. Also called: DYSENCEPHALIA SPLANCHNOCYSTICA; GRUBER SYNDROME; Dysencephalia splachnocystica. Identifiers: Orphanet 564, MedGen C0265215, MONDO:0018921.

gnomAD v4.1: 6 of 1,594,830 alleles (0.00038%); highest among the groups gnomAD compares: East Asian, 0.011%; no homozygotes.

Submission:

Labcorp Genetics (formerly Invitae), Labcorp
Classification: Uncertain significance for Joubert syndrome; Meckel-Gruber syndrome. Last evaluated: 2024-02-22. Review status: criteria provided, single submitter. Criteria: Invitae Variant Classification Sherloc (09022015). Collection method: clinical testing. Allele origin: germline.
Comment: This sequence change replaces arginine, which is basic and polar, with glycine, which is neutral and non-polar, at codon 75 of the B9D2 protein (p.Arg75Gly). The frequency data for this variant in the population databases is considered unreliable, as metrics indicate poor data quality at this position in the gnomAD database. This variant has not been reported in the literature in individuals affected with B9D2-related conditions. An algorithm developed to predict the effect of missense changes on protein structure and function (PolyPhen-2) suggests that this variant is likely to be tolerated. In summary, the available evidence is currently insufficient to determine the role of this variant in disease. Therefore, it has been classified as a Variant of Uncertain Significance.

NM_030578.4(B9D2):c.223C>G (p.Arg75Gly)

Gene: B9D2 (B9 domain containing 2; minus strand). Cytogenetic location: 19q13.2.
Variant type: single nucleotide variant.
Coding change: c.223C>G on transcript NM_030578.4 (MANE Select); coding-DNA position 223, C replaced by G.
Protein change: p.Arg75Gly; replaces arginine 75 with glycine.
Molecular consequence: missense variant.
Genome position (GRCh38, 1-based): chr19:41,355,005, G>C on the plus strand (C>G on the coding strand, the complement: B9D2 is on the minus strand). VCF-style: chr19-41355005-G-C. GRCh37 (hg19) VCF-style: chr19-41860910-G-C.
Other names: short protein forms R75G.
Identifiers: ClinVar variation 3763440 (VCV003763440.2).
Genomic context (GRCh38, chr19:41,355,005, plus strand): 5'-CATAGCCTGCAAGCTGGCAGCGGCCAAAGCTGTCCTGGGACCACACCTGGAAATGGAGCC[G>C]GGGCCAGCCTGCAGGAAAGGAGAGAGAGGGGAAAGGAGGGATGGGTGGGGACCAGACTCC-3'
Protein context (NP_085055.2, residues 65-85): FATKGLQGWP[Arg75Gly]LHFQVWSQDS